The following is an entry in ClinVar:

ClinVar aggregate classification (germline): Likely pathogenic. Review status: criteria provided, multiple submitters, no conflicts (2 of 4 stars). 3 submissions from 3 submitters: Likely pathogenic (3). Last evaluated 2025-12-19.

Conditions:
Niemann-Pick disease, type C (NPC). Identifiers: Orphanet 646, MedGen C0220756, MONDO:0018982.
Niemann-Pick disease, type C1. Also called: NEUROVISCERAL STORAGE DISEASE WITH VERTICAL SUPRANUCLEAR OPHTHALMOPLEGIA; NIEMANN-PICK DISEASE WITH CHOLESTEROL ESTERIFICATION BLOCK; NIEMANN-PICK DISEASE WITHOUT SPHINGOMYELINASE DEFICIENCY; NIEMANN-PICK DISEASE, CHRONIC NEURONOPATHIC FORM; NIEMANN-PICK DISEASE, VARIANT TYPE C1. Identifiers: Orphanet 646, MedGen C3179455, MONDO:0009757, OMIM 257220.

Submissions (3):

Women's Health and Genetics/Laboratory Corporation of America, LabCorp
Classification: Likely pathogenic for Niemann-Pick disease, type C. Last evaluated: 2025-12-19. Review status: criteria provided, single submitter. Criteria: LabCorp Variant Classification Summary - May 2015. Collection method: clinical testing. Allele origin: germline.
Comment: Variant summary: NPC1 c.3634G>A (p.Val1212Met) results in a conservative amino acid change in the encoded protein sequence. Algorithms developed to predict the effect of missense changes on protein structure and function are either unavailable or do not agree on the potential impact of this missense change. The variant was absent in 251468 control chromosomes. c.3634G>A has been observed in the presumed compound heterozygous state in at least 1 individual(s) affected with Niemann-Pick Disease Type C. These data do not allow any conclusion about variant significance. A different variant affecting the same codon has been classified as likely pathogenic/pathogenic by our lab (c.3634G>T, p.Val1212Leu), supporting the critical relevance of codon 1212 to NPC1 protein function. To our knowledge, no experimental evidence demonstrating an impact on protein function has been reported. The following publication has been ascertained in the context of this evaluation (PMID: 38448301). ClinVar contains an entry for this variant (Variation ID: 2829651). Based on the evidence outlined above, the variant was classified as likely pathogenic.

Natera, Inc.
Classification: Likely pathogenic for Niemann-Pick disease type C1. Last evaluated: 2024-05-16. Review status: criteria provided, single submitter. Criteria: Natera Variant Classification Schema (03/2026). Collection method: clinical testing. Allele origin: germline.
Comment: The c.3634G>A variant in NPC1 is a missense variant predicted to cause substitution of valine to methionine at amino acid 1212. This variant is expected to result in nonsense mediated decay, truncation, or a dysfunctional protein product. This variant is rare in the general population with a frequency below the threshold expected for the associated phenotype(s). This variant has been observed in one or more individuals affected with the associated recessive disease, as either homozygous or compound heterozygous with a second variant (PMID: 11182931, 16143556). Given the available evidence, this variant is classified as Likely Pathogenic.

Labcorp Genetics (formerly Invitae), Labcorp
Classification: Likely pathogenic for Niemann-Pick disease, type C1. Last evaluated: 2023-01-22. Review status: criteria provided, single submitter. Criteria: Invitae Variant Classification Sherloc (09022015). Collection method: clinical testing. Allele origin: germline.
Comment: Advanced modeling of protein sequence and biophysical properties (such as structural, functional, and spatial information, amino acid conservation, physicochemical variation, residue mobility, and thermodynamic stability) performed at Invitae indicates that this missense variant is expected to disrupt NPC1 protein function. In summary, the currently available evidence indicates that the variant is pathogenic, but additional data are needed to prove that conclusively. Therefore, this variant has been classified as Likely Pathogenic. This variant disrupts the p.Val1212 amino acid residue in NPC1. Other variant(s) that disrupt this residue have been determined to be pathogenic (PMID: 15774455, 22326530, 22476655, 24915861). This suggests that this residue is clinically significant, and that variants that disrupt this residue are likely to be disease-causing. Algorithms developed to predict the effect of sequence changes on RNA splicing suggest that this variant may create or strengthen a splice site. This variant has not been reported in the literature in individuals affected with NPC1-related conditions. This variant is not present in population databases (gnomAD no frequency). This sequence change replaces valine, which is neutral and non-polar, with methionine, which is neutral and non-polar, at codon 1212 of the NPC1 protein (p.Val1212Met).

Literature cited by the submitters: PubMed 38448301 (cited by Women's Health and Genetics/Laboratory Corporation of America, LabCorp); PubMed 11182931 (cited by Natera, Inc.); PubMed 16143556 (cited by Natera, Inc.); PubMed 15774455 (cited by Labcorp Genetics (formerly Invitae), Labcorp); PubMed 22326530 (cited by Labcorp Genetics (formerly Invitae), Labcorp); PubMed 22476655 (cited by Labcorp Genetics (formerly Invitae), Labcorp); PubMed 24915861 (cited by Labcorp Genetics (formerly Invitae), Labcorp).

NM_000271.5(NPC1):c.3634G>A (p.Val1212Met)

Gene: NPC1 (NPC intracellular cholesterol transporter 1; minus strand). Cytogenetic location: 18q11.2.
Variant type: single nucleotide variant.
Coding change: c.3634G>A on transcript NM_000271.5 (MANE Select); coding-DNA position 3634, G replaced by A.
Protein change: p.Val1212Met; replaces valine 1212 with methionine.
Molecular consequence: missense variant.
Genome position (GRCh38, 1-based): chr18:23,533,475, C>T on the plus strand (G>A on the coding strand, the complement: NPC1 is on the minus strand). VCF-style: chr18-23533475-C-T. GRCh37 (hg19) VCF-style: chr18-21113439-C-T.
Other names: c.3634G>A (NM_000271.4); short protein forms V1212M.
Identifiers: ClinVar variation 2829651 (VCV002829651.5), dbSNP rs753419933, ClinGen allele CA401790758.